The following is an entry in ClinVar:

NM_001128148.3(TFRC):c.1751A>G (p.Asn584Ser)

Gene: TFRC (transferrin receptor; minus strand). Cytogenetic location: 3q29.
Variant type: single nucleotide variant.
Coding change: c.1751A>G on transcript NM_001128148.3 (MANE Select); coding-DNA position 1751, A replaced by G.
Protein change: p.Asn584Ser; replaces asparagine 584 with serine.
Molecular consequence: missense variant.
Genome position (GRCh38, 1-based): chr3:196,055,228, T>C on the plus strand (A>G on the coding strand, the complement: TFRC is on the minus strand). VCF-style: chr3-196055228-T-C. GRCh37 (hg19) VCF-style: chr3-195782099-T-C.
Other names: c.1508A>G, p.Asn503Ser (NM_001313965.2); c.905A>G, p.Asn302Ser (NM_001313966.2); c.1751A>G, p.Asn584Ser (NM_003234.4); short protein forms N503S, N302S, N584S.
Identifiers: ClinVar variation 1900206 (VCV001900206.5), dbSNP rs778065901, ClinGen allele CA2777789.
Genomic context (GRCh38, chr3:196,055,228, plus strand): 5'-TCATGGGTTAGTTTAATCACGAACTGACCAGCGACCTCTGCAGCTGCTCGTGCCACTTTG[T>C]TCAACTCAGGAATCCTCTCAATCAGTTCCTTATAGGTGTCCATGGTGGTACCCAAATAAG-3'
Protein context (NP_001121620.1, residues 574-594): KELIERIPEL[Asn584Ser]KVARAAAEVA

ClinVar aggregate classification (germline): Uncertain significance (1 of 4 stars; one submission).

Allele frequency attached by ClinVar (database versions not stated): gnomAD exomes below 0.00001; ExAC 0.00001.

Submission:

Labcorp Genetics (formerly Invitae), Labcorp
Classification: Uncertain significance. Last evaluated: 2022-08-09. Review status: criteria provided, single submitter. Criteria: Invitae Variant Classification Sherloc (09022015). Collection method: clinical testing. Allele origin: germline.
Comment: This variant is present in population databases (rs778065901, gnomAD 0.006%). This variant has not been reported in the literature in individuals affected with TFRC-related conditions. This sequence change replaces asparagine, which is neutral and polar, with serine, which is neutral and polar, at codon 584 of the TFRC protein (p.Asn584Ser). Algorithms developed to predict the effect of missense changes on protein structure and function output the following: SIFT: "Tolerated"; PolyPhen-2: "Benign"; Align-GVGD: "Class C0". The serine amino acid residue is found in multiple mammalian species, which suggests that this missense change does not adversely affect protein function. In summary, the available evidence is currently insufficient to determine the role of this variant in disease. Therefore, it has been classified as a Variant of Uncertain Significance.